The following is an entry in ClinVar:

NM_000037.4(ANK1):c.5479-2A>G

Gene: ANK1 (ankyrin 1; minus strand). Cytogenetic location: 8p11.21.
Variant type: single nucleotide variant.
Coding change: c.5479-2A>G on transcript NM_000037.4 (MANE Select); the canonical splice acceptor site of the intron before coding-DNA position 5479, A replaced by G.
Molecular consequence: splice acceptor variant. On other transcripts: intron variant (1).
Genome position (GRCh38, 1-based): chr8:41,661,943, T>C on the plus strand (A>G on the coding strand, the complement: ANK1 is on the minus strand). VCF-style: chr8-41661943-T-C. GRCh37 (hg19) VCF-style: chr8-41519461-T-C.
Other names: c.5602-2A>G (NM_001142446.2); c.4993-2A>G (NM_020477.3); c.5479-2A>G (NM_020475.3, NM_020476.3); c.303+1716A>G (NM_020480.5); c.304-2A>G (NM_020478.5, NM_001142445.2).
Identifiers: ClinVar variation 4881457 (VCV004881457.2).

ClinVar aggregate classification (germline): Uncertain significance (1 of 4 stars; one submission).

gnomAD v4.1: 5 of 1,613,492 alleles (0.00031%); highest among the groups gnomAD compares: Admixed American, 0.0033%; no homozygotes.

Submission:

Dasa
Classification: Uncertain significance. Last evaluated: 2024-06-10. Review status: criteria provided, single submitter. Criteria: DASA Assertion Criteria. Collection method: clinical testing. Allele origin: germline.
Comment: NM_000037.4(ANK1):c.5479-2A>G affects a canonical splice site and is predicted to disrupt normal RNA splicing. This variant is rare in population databases. The currently available literature and clinical evidence are not sufficient to establish a definitive association between this variant and the reported condition. Therefore, this variant is classified as a variant of uncertain significance.